The following is an entry in ClinVar:

NM_001174147.2(LMX1B):c.19C>T (p.Pro7Ser)

Gene: LMX1B (LIM homeobox transcription factor 1 beta; plus strand). Cytogenetic location: 9q33.3.
Variant type: single nucleotide variant.
Coding change: c.19C>T on transcript NM_001174147.2 (MANE Select); coding-DNA position 19, C replaced by T.
Protein change: p.Pro7Ser; replaces proline 7 with serine.
Molecular consequence: missense variant.
Genome position (GRCh38, 1-based): chr9:126,614,468, C>T. VCF-style: chr9-126614468-C-T. GRCh37 (hg19) VCF-style: chr9-129376747-C-T.
Other names: c.19C>T, p.Pro7Ser (NM_001174146.2, NM_002316.4); short protein forms P7S.
Identifiers: ClinVar variation 4764124 (VCV004764124.1).
Genomic context (GRCh38, chr9:126,614,468, plus strand): 5'-GAGCAGCCCGGCCGGCGGGGTCCGCAGCGCGCCCCGCGTCCCATGGATATAGCAACAGGT[C>T]CCGAGTCGCTGGAGAGGTGCTTCCCTCGCGGGCAGACGGACTGCGCCAAGATGTTGGACG-3'
Protein context (NP_001167618.1, residues 1-17): MDIATG[Pro7Ser]ESLERCFPRG

ClinVar aggregate classification (germline): Uncertain significance (1 of 4 stars; one submission).

Submission:

Labcorp Genetics (formerly Invitae), Labcorp
Classification: Uncertain significance. Last evaluated: 2025-06-29. Review status: criteria provided, single submitter. Criteria: Invitae Variant Classification Sherloc (09022015). Collection method: clinical testing. Allele origin: germline.
Comment: This sequence change replaces proline, which is neutral and non-polar, with serine, which is neutral and polar, at codon 7 of the LMX1B protein (p.Pro7Ser). This variant is not present in population databases (gnomAD no frequency). This variant has not been reported in the literature in individuals affected with LMX1B-related conditions. An algorithm developed to predict the effect of missense changes on protein structure and function (PolyPhen-2) suggests that this variant is likely to be tolerated. In summary, the available evidence is currently insufficient to determine the role of this variant in disease. Therefore, it has been classified as a Variant of Uncertain Significance.